The following is an entry in ClinVar:

ClinVar aggregate classification (germline): Likely benign (0 of 4 stars; one submission).

Conditions:
COX6A2-related disorder. Also called: COX6A2-related condition.

Allele frequency attached by ClinVar (database versions not stated): gnomAD exomes below 0.00001.

Submission:

PreventionGenetics, part of Exact Sciences
Classification: Likely benign for COX6A2-related condition. Last evaluated: 2019-11-01. Review status: no assertion criteria provided. Collection method: clinical testing. Allele origin: germline.
Comment: This variant is classified as likely benign based on ACMG/AMP sequence variant interpretation guidelines (Richards et al. 2015 PMID: 25741868, with internal and published modifications).

NM_005205.4(COX6A2):c.255C>T (p.Ser85=)

Gene: COX6A2 (cytochrome c oxidase subunit 6A2; minus strand). Cytogenetic location: 16p11.2.
Variant type: single nucleotide variant.
Coding change: c.255C>T on transcript NM_005205.4 (MANE Select); coding-DNA position 255, C replaced by T.
Protein change: p.Ser85=; no amino-acid change (serine 85 retained).
Molecular consequence: synonymous variant.
Genome position (GRCh38, 1-based): chr16:31,427,813, G>A on the plus strand (C>T on the coding strand, the complement: COX6A2 is on the minus strand). VCF-style: chr16-31427813-G-A. GRCh37 (hg19) VCF-style: chr16-31439134-G-A.
Identifiers: ClinVar variation 3045482 (VCV003045482.2), dbSNP rs2544834763, ClinGen allele CA494724744.
Genomic context (GRCh38, chr16:31,427,813, plus strand): 5'-TGTCCGGGGGCGTCCGGGGCCTCAGGGGTGTTCGTAGCCCGTGGGCAGAGGGTTCACGTG[G>A]CTATTGTGGAACAGAGTGTGGTTGCCGTCCCCCCAGGGGTAGGGCTGTGGAGAGAGCGGG-3'
Protein context (NP_005196.1, residues 75-95): GDGNHTLFHN[Ser85=]HVNPLPTGYE